The following is an entry in ClinVar:

NM_001347721.2(DYRK1A):c.2188A>G (p.Met730Val)

Gene: DYRK1A (dual specificity tyrosine phosphorylation regulated kinase 1A; plus strand). Cytogenetic location: 21q22.13.
Variant type: single nucleotide variant.
Coding change: c.2188A>G on transcript NM_001347721.2 (MANE Select); coding-DNA position 2188, A replaced by G.
Protein change: p.Met730Val; replaces methionine 730 with valine.
Molecular consequence: missense variant. On other transcripts: 3 prime UTR variant (2).
Genome position (GRCh38, 1-based): chr21:37,512,454, A>G. VCF-style: chr21-37512454-A-G. GRCh37 (hg19) VCF-style: chr21-38884757-A-G.
Other names: c.2188A>G, p.Met730Val (NM_001347722.2, NM_130436.2); c.2101A>G, p.Met701Val (NM_001347723.2); c.2215A>G, p.Met739Val (NM_001396.5); c.*591A>G (NM_101395.2); c.*500A>G (NM_130438.2); c.2215A>G (NM_001396.4); short protein forms M739V, M730V, M701V.
Identifiers: ClinVar variation 210894 (VCV000210894.19), dbSNP rs201958918, ClinGen allele CA208087.

ClinVar aggregate classification (germline): Conflicting classifications of pathogenicity. Review status: criteria provided, conflicting classifications (1 of 4 stars). 4 submissions from 4 submitters: Uncertain significance (1); Benign (1); Likely benign (2). Last evaluated 2026-06-16.

Conditions:
DYRK1A-related disorder.
Inborn genetic diseases. Identifiers: MedGen C0950123, MeSH D030342.
DYRK1A-related intellectual disability syndrome (MRD7). Also called: DYRK1A Syndrome; Intellectual developmental disorder, autosomal dominant 7. Identifiers: Orphanet 464306, MedGen C5568143, MONDO:0013578, OMIM 614104.

Allele frequency attached by ClinVar (database versions not stated): TOPMed 0.00002.
gnomAD v4.1: 52 of 1,614,120 alleles (0.0032%); highest among the groups gnomAD compares: Non-Finnish European, 0.0035%; no homozygotes.

Submissions (4):

PreventionGenetics, part of Exact Sciences
Classification: Uncertain significance for DYRK1A-related condition. Last evaluated: 2026-06-16. Review status: criteria provided, single submitter. Criteria: ACMG Guidelines, 2015. Collection method: clinical testing. Allele origin: germline.
Comment: The DYRK1A c.2215A>G variant is predicted to result in the amino acid substitution p.Met739Val. To our knowledge, this variant has not been reported in the literature. This variant is reported in 0.0050% of alleles in individuals of East Asian descent in gnomAD. At this time, the clinical significance of this variant is uncertain due to the absence of conclusive functional and genetic evidence.

Labcorp Genetics (formerly Invitae), Labcorp
Classification: Benign for DYRK1A-related intellectual disability syndrome. Last evaluated: 2025-06-12. Review status: criteria provided, single submitter. Criteria: Invitae Variant Classification Sherloc (09022015). Collection method: clinical testing. Allele origin: germline.

Ambry Genetics
Classification: Likely benign for Inborn genetic diseases. Last evaluated: 2023-02-22. Review status: criteria provided, single submitter. Criteria: Ambry Variant Classification Scheme 2023. Collection method: clinical testing. Allele origin: germline.

Genetic Services Laboratory, University of Chicago
Classification: Likely benign. Last evaluated: 2018-04-27. Review status: criteria provided, single submitter. Criteria: ACMG Guidelines, 2015. Collection method: clinical testing. Allele origin: germline. Affected: no.